The following is an entry in ClinVar:

ClinVar aggregate classification (germline): Uncertain significance. Review status: criteria provided, multiple submitters, no conflicts (2 of 4 stars). 2 submissions from 2 submitters: Uncertain significance (2). Last evaluated 2026-06-28.

Conditions:
SIX1-related disorder. Also called: SIX1-related condition.

Allele frequency attached by ClinVar (database versions not stated): gnomAD 0.00001.
gnomAD v4.1: 1 of 1,613,242 alleles (0.000062%); no homozygotes.

Submissions (2):

PreventionGenetics, part of Exact Sciences
Classification: Uncertain significance for SIX1-related condition. Last evaluated: 2026-06-28. Review status: criteria provided, single submitter. Criteria: ACMG Guidelines, 2015. Collection method: clinical testing. Allele origin: germline.
Comment: The SIX1 c.548A>G variant is predicted to result in the amino acid substitution p.Glu183Gly. To our knowledge, this variant has not been reported in the literature or in a large population database (gnomAD), indicating this variant is rare. At this time, the clinical significance of this variant is uncertain due to the absence of conclusive functional and genetic evidence.

GeneDx
Classification: Uncertain significance. Last evaluated: 2017-07-20. Review status: criteria provided, single submitter. Criteria: GeneDx Variant Classification (06012015). Collection method: clinical testing. Allele origin: germline. Affected: yes.
Comment: The E183G variant in the SIX1 gene has not been reported previously as a pathogenic variant, nor as a benign variant, to our knowledge. The E183G variant was not observed in approximately 6,500 individuals of European and African American ancestry in the NHLBI Exome Sequencing Project, indicating it is not a common benign variant in these populations. The E183G variant is a non-conservative amino acid substitution, which is likely to impact secondary protein structure as these residues differ in polarity, charge, size and/or other properties. This substitution occurs at a position that is conserved across species. However, in silico analysis is inconsistent in its predictions as to whether or not the variant is damaging to the protein structure/function. Based on review of the data in the context of the 2015 ACMG standards and guidelines for the interpretation of sequence variants (Richards et al., 2015), we now interpret E183G as a variant of uncertain significance.

NM_005982.4(SIX1):c.548A>G (p.Glu183Gly)

Gene: SIX1 (SIX homeobox 1; minus strand). Cytogenetic location: 14q23.1.
Variant type: single nucleotide variant.
Coding change: c.548A>G on transcript NM_005982.4 (MANE Select); coding-DNA position 548, A replaced by G.
Protein change: p.Glu183Gly; replaces glutamic acid 183 with glycine.
Molecular consequence: missense variant.
Genome position (GRCh38, 1-based): chr14:60,648,642, T>C on the plus strand (A>G on the coding strand, the complement: SIX1 is on the minus strand). VCF-style: chr14-60648642-T-C. GRCh37 (hg19) VCF-style: chr14-61115360-T-C.
Other names: short protein forms E183G.
Identifiers: ClinVar variation 418491 (VCV000418491.3), dbSNP rs1064793268, ClinGen allele CA16619880.